The following is an entry in ClinVar:

ClinVar aggregate classification (germline): Pathogenic/Likely pathogenic. Review status: criteria provided, multiple submitters, no conflicts (2 of 4 stars). 4 submissions from 4 submitters: Pathogenic (2); Likely pathogenic (2). Last evaluated 2025-01-24.

Conditions:
Transient bullous dermolysis of the newborn (TBDN). Also called: EPIDERMOLYSIS BULLOSA DYSTROPHICA, NEONATAL FORM; DYSTROPHIC EPIDERMOLYSIS BULLOSA, NEONATAL. Identifiers: Orphanet 79411, MedGen C1851573, MONDO:0007548, OMIM 131705.
Recessive dystrophic epidermolysis bullosa (RDEB). Also called: Recessive DEB (RDEB); DYSTROPHIC EPIDERMOLYSIS BULLOSA, AUTOSOMAL RECESSIVE; EPIDERMOLYSIS BULLOSA DYSTROPHICA, HALLOPEAU-SIEMENS TYPE; Epidermolysis Bullosa Distrophica Autosomal Recessive (RDEB); Hallopeau-Siemens Disease; severe generalized recessive dystrophic epidermolysis bullosa. Identifiers: Orphanet 79408, Orphanet 79409, MedGen C0079474, MONDO:0009179, OMIM 226600.
Nonsyndromic congenital nail disorder 8. Also called: TOENAIL DYSTROPHY, ISOLATED. Identifiers: MedGen C1843761, MONDO:0011852, OMIM 607523.
Epidermolysis bullosa pruriginosa. Also called: DEB, PRURIGINOSA; DYSTROPHIC EPIDERMOLYSIS BULLOSA PRURIGINOSA. Identifiers: Orphanet 89843, MedGen C1275114, MONDO:0011398, OMIM 604129.
Pretibial dystrophic epidermolysis bullosa. Also called: EPIDERMOLYSIS BULLOSA DYSTROPHICA, PRETIBIAL; Pretibial epidermolysis bullosa; Pretibial blistering. Identifiers: Orphanet 79410, MedGen C0432321, MONDO:0007552, OMIM 131850, HP:0012221.
Dominant dystrophic epidermolysis bullosa with absence of skin. Also called: EPIDERMOLYSIS BULLOSA DYSTROPHICA, BART TYPE; EPIDERMOLYSIS BULLOSA WITH CONGENITAL LOCALIZED ABSENCE OF SKIN AND DEFORMITY OF NAILS. Identifiers: MedGen C0268371, MONDO:0007557, OMIM 132000.
Generalized dominant dystrophic epidermolysis bullosa (DDEB). Also called: Dominant DEB (DDEB); DDEB, generalized; DDEB-gen; DYSTROPHIC EPIDERMOLYSIS BULLOSA, AUTOSOMAL DOMINANT; Epidermolysis bullosa dystrophica, autosomal dominant. Identifiers: Orphanet 231568, MedGen C0432322, MONDO:0007549, OMIM 131750.
Epidermolysis bullosa dystrophica. Also called: Dystrophic epidermolysis bullosa, Hallopeau-Siemens type (formerly); Dystrophic epidermolysis bullosa. Identifiers: Orphanet 303, MedGen C0079294, MONDO:0006543.

Allele frequency attached by ClinVar (database versions not stated): gnomAD exomes below 0.00001.
gnomAD v4.1: 1 of 1,614,184 alleles (0.000062%); highest among the groups gnomAD compares: East Asian, 0.0022%; no homozygotes.

Submissions (4):

Labcorp Genetics (formerly Invitae), Labcorp
Classification: Pathogenic. Last evaluated: 2025-01-24. Review status: criteria provided, single submitter. Criteria: Invitae Variant Classification Sherloc (09022015). Collection method: clinical testing. Allele origin: germline.
Comment: This sequence change affects a donor splice site in intron 111 of the COL7A1 gene. It is expected to disrupt splicing. Variants that disrupt the donor or acceptor splice site typically lead to a loss of protein function (PMID: 16199547), and loss-of-function variants in COL7A1 are known to be disease-causing for autosomal recessive dystrophic epidermolysis bullosa (PMID: 16971478). However, certain variants affecting donor or acceptor splice sites in the triple helical domain of COL7A1 are expected to result in in-frame exon skipping and have been reported to cause autosomal dominant dystrophic epidermolysis bullosa (PMID: 31670143). This variant is not present in population databases (gnomAD no frequency). Disruption of this splice site has been observed in individual(s) with epidermolysis bullosa (PMID: 20184583, 38368142). In at least one individual the data is consistent with being in trans (on the opposite chromosome) from a pathogenic variant. ClinVar contains an entry for this variant (Variation ID: 1032188). Algorithms developed to predict the effect of sequence changes on RNA splicing suggest that this variant may disrupt the consensus splice site. For these reasons, this variant has been classified as Pathogenic.

Laboratorio de Genetica e Diagnostico Molecular, Hospital Israelita Albert Einstein
Classification: Likely pathogenic for Recessive dystrophic epidermolysis bullosa. Last evaluated: 2022-03-04. Review status: criteria provided, single submitter. Criteria: ACMG Guidelines, 2015. Collection method: clinical testing. Allele origin: germline. Affected: yes. Observed: 1 variant allele.
Comment: ACMG classification criteria: PVS1 strong, PM2 moderated

Fulgent Genetics
Classification: Likely pathogenic for Transient bullous dermolysis of the newborn; Generalized dominant dystrophic epidermolysis bullosa; Pretibial dystrophic epidermolysis bullosa; Dominant dystrophic epidermolysis bullosa with absence of skin; Recessive dystrophic epidermolysis bullosa; Epidermolysis bullosa pruriginosa; Nonsyndromic congenital nail disorder 8. Last evaluated: 2021-11-05. Review status: criteria provided, single submitter. Criteria: ACMG Guidelines, 2015. Collection method: clinical testing. Allele origin: unknown.

Biomedical Innovation Departament, CIEMAT
Classification: Pathogenic for Dystrophic epidermolysis bullosa. Last evaluated: 2009-05-25. Review status: criteria provided, single submitter. Criteria: ACMG Guidelines, 2015. Collection method: research. Allele origin: germline. Affected: yes. Observed: 1 variant allele.

Literature cited by the submitters: PubMed 16199547 (cited by Labcorp Genetics (formerly Invitae), Labcorp); PubMed 16971478 (cited by Labcorp Genetics (formerly Invitae), Labcorp); PubMed 31670143 (cited by Labcorp Genetics (formerly Invitae), Labcorp); PubMed 20184583 (cited by Labcorp Genetics (formerly Invitae), Labcorp); PubMed 38368142 (cited by Labcorp Genetics (formerly Invitae), Labcorp); PubMed 16484981 (cited by Biomedical Innovation Departament, CIEMAT).

NM_000094.4(COL7A1):c.8304+1G>A

Gene: COL7A1 (collagen type VII alpha 1 chain; minus strand). Cytogenetic location: 3p21.31.
Variant type: single nucleotide variant.
Coding change: c.8304+1G>A on transcript NM_000094.4 (MANE Select); the canonical splice donor site of the intron after coding-DNA position 8304, G replaced by A.
Molecular consequence: splice donor variant.
Genome position (GRCh38, 1-based): chr3:48,566,659, C>T on the plus strand (G>A on the coding strand, the complement: COL7A1 is on the minus strand). VCF-style: chr3-48566659-C-T. GRCh37 (hg19) VCF-style: chr3-48604092-C-T.
Identifiers: ClinVar variation 1032188 (VCV001032188.6), dbSNP rs759579761, ClinGen allele CA352637213.